The following is an entry in ClinVar:

NM_000238.4(KCNH2):c.2321A>T (p.Asp774Val)

Gene: KCNH2 (potassium voltage-gated channel subfamily H member 2; minus strand). Cytogenetic location: 7q36.1.
Variant type: single nucleotide variant.
Coding change: c.2321A>T on transcript NM_000238.4 (MANE Select); coding-DNA position 2321, A replaced by T.
Protein change: p.Asp774Val; replaces aspartic acid 774 with valine.
Molecular consequence: missense variant.
Genome position (GRCh38, 1-based): chr7:150,950,245, T>A on the plus strand (A>T on the coding strand, the complement: KCNH2 is on the minus strand). VCF-style: chr7-150950245-T-A. GRCh37 (hg19) VCF-style: chr7-150647333-T-A.
Other names: c.1301A>T, p.Asp434Val (NM_001204798.2, NM_172057.3); c.2033A>T, p.Asp678Val (NM_001406753.1, NM_001406756.1); c.2144A>T, p.Asp715Val (NM_001406755.1); c.2021A>T, p.Asp674Val (NM_001406757.1); c.2321A>T, p.Asp774Val (NM_172056.3); short protein forms D434V, D774V, D674V, D678V, D715V.
Identifiers: ClinVar variation 1366271 (VCV001366271.7), dbSNP rs2116949301, ClinGen allele CA369856151.

ClinVar aggregate classification (germline): Uncertain significance (1 of 4 stars; one submission).

Conditions:
Long QT syndrome (LQTS). Identifiers: MedGen C0023976, MeSH D008133, MONDO:0002442. Disease mechanism: loss of function. Inheritance: Various modes of inheritance.

Submission:

Labcorp Genetics (formerly Invitae), Labcorp
Classification: Uncertain significance for Long QT syndrome. Last evaluated: 2021-10-03. Review status: criteria provided, single submitter. Criteria: Invitae Variant Classification Sherloc (09022015). Collection method: clinical testing. Allele origin: germline.
Comment: In summary, the available evidence is currently insufficient to determine the role of this variant in disease. Therefore, it has been classified as a Variant of Uncertain Significance. This variant disrupts the p.Asp774 amino acid residue in KCNH2. Other variant(s) that disrupt this residue have been observed in individuals with KCNH2-related conditions (PMID: 5417810, 22429796), which suggests that this may be a clinically significant amino acid residue. Algorithms developed to predict the effect of missense changes on protein structure and function are either unavailable or do not agree on the potential impact of this missense change (SIFT: "Deleterious"; PolyPhen-2: "Probably Damaging"; Align-GVGD: "Class C15"). This variant has been observed in individual(s) with clinical features of long QT syndrome (Invitae). This variant is not present in population databases (ExAC no frequency). This sequence change replaces aspartic acid with valine at codon 774 of the KCNH2 protein (p.Asp774Val). The aspartic acid residue is highly conserved and there is a large physicochemical difference between aspartic acid and valine.

Literature cited by the submitters: PubMed 5417810; PubMed 22429796.